The following is an entry in ClinVar:

ClinVar aggregate classification (germline): Uncertain significance (1 of 4 stars; one submission).

Conditions:
Neurofibromatosis, type 1 (NF1). Also called: VON RECKLINGHAUSEN DISEASE; Neurofibromatosis, type I; Peripheral type neurofibromatosis; NEUROFIBROMATOSIS, TYPE I, SOMATIC. Identifiers: Orphanet 636, MedGen C0027831, MONDO:0018975, OMIM 162200. Disease mechanism: loss of function.

Submission:

Labcorp Genetics (formerly Invitae), Labcorp
Classification: Uncertain significance for Neurofibromatosis, type 1. Last evaluated: 2025-08-17. Review status: criteria provided, single submitter. Criteria: Invitae Variant Classification Sherloc (09022015). Collection method: clinical testing. Allele origin: germline.
Comment: This sequence change replaces isoleucine, which is neutral and non-polar, with leucine, which is neutral and non-polar, at codon 1782 of the NF1 protein (p.Ile1782Leu). This variant is not present in population databases (gnomAD no frequency). This variant has not been reported in the literature in individuals affected with NF1-related conditions. ClinVar contains an entry for this variant (Variation ID: 2858079). Invitae Evidence Modeling of protein sequence and biophysical properties (such as structural, functional, and spatial information, amino acid conservation, physicochemical variation, residue mobility, and thermodynamic stability) indicates that this missense variant is not expected to disrupt NF1 protein function with a negative predictive value of 95%. In summary, the available evidence is currently insufficient to determine the role of this variant in disease. Therefore, it has been classified as a Variant of Uncertain Significance.

NM_001042492.3(NF1):c.5407A>C (p.Ile1803Leu)

Gene: NF1 (neurofibromin 1; plus strand). Cytogenetic location: 17q11.2.
Variant type: single nucleotide variant.
Coding change: c.5407A>C on transcript NM_001042492.3 (MANE Select); coding-DNA position 5407, A replaced by C.
Protein change: p.Ile1803Leu; replaces isoleucine 1803 with leucine.
Molecular consequence: missense variant.
Genome position (GRCh38, 1-based): chr17:31,327,637, A>C. VCF-style: chr17-31327637-A-C. GRCh37 (hg19) VCF-style: chr17-29654655-A-C.
Other names: c.5344A>C, p.Ile1782Leu (NM_000267.4); short protein forms I1782L, I1803L.
Identifiers: ClinVar variation 2858079 (VCV002858079.3), dbSNP rs559910904, ClinGen allele CA399009371.